The following is an entry in ClinVar:

ClinVar aggregate classification (germline): Uncertain significance (1 of 4 stars; one submission).

Submission:

GeneDx
Classification: Uncertain significance. Last evaluated: 2023-08-14. Review status: criteria provided, single submitter. Criteria: GeneDx Variant Classification Process June 2021. Collection method: clinical testing. Allele origin: germline. Affected: yes.
Comment: Not observed at significant frequency in large population cohorts (gnomAD); In silico analysis supports that this missense variant has a deleterious effect on protein structure/function; Has not been previously published as pathogenic or benign to our knowledge

NM_005629.4(SLC6A8):c.1394G>A (p.Gly465Asp)

Gene: SLC6A8 (solute carrier family 6 member 8; plus strand). Cytogenetic location: Xq28.
Variant type: single nucleotide variant.
Coding change: c.1394G>A on transcript NM_005629.4 (MANE Select); coding-DNA position 1394, G replaced by A.
Protein change: p.Gly465Asp; replaces glycine 465 with aspartic acid.
Molecular consequence: missense variant.
Genome position (GRCh38, 1-based): chrX:153,694,345, G>A. VCF-style: chrX-153694345-G-A. GRCh37 (hg19) VCF-style: chrX-152959800-G-A.
Other names: c.1364G>A, p.Gly455Asp (NM_001142805.2); c.1049G>A, p.Gly350Asp (NM_001142806.1); short protein forms G350D, G455D, G465D.
Identifiers: ClinVar variation 2576781 (VCV002576781.1), dbSNP rs2522167236, ClinGen allele CA415087220.
Genomic context (GRCh38, chrX:153,694,345, plus strand): 5'-TCTGCCTGTGACCTCTGGTGGCCGTCTGCCATCCTCCCTGACTGGGCTCTGTCCCCCAGG[G>A]CGGGATGTACGTCTTCCAGCTGTTTGACTACTACTCGGCCAGCGGCACCACCCTGCTCTG-3'
Protein context (NP_005620.1, residues 455-475): FVIDLSMVTD[Gly465Asp]GMYVFQLFDY